The following is an entry in ClinVar:

ClinVar aggregate classification (germline): Benign/Likely benign. Review status: criteria provided, multiple submitters, no conflicts (2 of 4 stars). 3 submissions from 3 submitters: Benign (2); Likely benign (1). Last evaluated 2026-08-01.

Conditions:
Angelman syndrome-like. Identifiers: MedGen CN128785.
Developmental and epileptic encephalopathy, 2 (DEE2). Also called: CDKL5 deficiency disorder; INFANTILE SPASM SYNDROME, X-LINKED 2. Identifiers: Orphanet 1934, Orphanet 3451, Orphanet 505652, MedGen C4750718, MONDO:0010396, OMIM 300672.

Allele frequency attached by ClinVar (database versions not stated): gnomAD exomes 0.00007; ExAC 0.00007; gnomAD 0.00013 and 0.00012; ESP Exome Variant Server 0.00019; TOPMed 0.00011.
gnomAD v4.1: 165 of 1,209,615 alleles (0.014%); highest among the groups gnomAD compares: Non-Finnish European, 0.018%; no homozygotes.

Submissions (3):

CeGaT Center for Human Genetics Tuebingen
Classification: Likely benign. Last evaluated: 2026-08-01. Review status: criteria provided, single submitter. Criteria: CeGaT Center For Human Genetics Tuebingen Variant Classification Criteria Version 2. Collection method: clinical testing. Allele origin: germline. Affected: yes. Observed: 2 variant alleles.
Comment: CDKL5: BS2; RS1: BS2

Labcorp Genetics (formerly Invitae), Labcorp
Classification: Benign for Developmental and epileptic encephalopathy, 2; Angelman syndrome-like. Last evaluated: 2025-09-10. Review status: criteria provided, single submitter. Criteria: Invitae Variant Classification Sherloc (09022015). Collection method: clinical testing. Allele origin: germline.

GeneDx
Classification: Benign. Last evaluated: 2014-05-13. Review status: criteria provided, single submitter. Criteria: GeneDx Variant Classification (06012015). Collection method: clinical testing. Allele origin: germline. Affected: yes.
Comment: This variant is considered likely benign or benign based on one or more of the following criteria: it is a conservative change, it occurs at a poorly conserved position in the protein, it is predicted to be benign by multiple in silico algorithms, and/or has population frequency not consistent with disease.

NM_000330.4(RS1):c.326+1082T>C

Genes: CDKL5 (cyclin dependent kinase like 5; plus strand), RS1 (retinoschisin 1; minus strand). Cytogenetic location: Xp22.13.
Variant type: single nucleotide variant.
Coding change: c.326+1082T>C on transcript NM_000330.4 (MANE Select); 1082 bases into the intron after coding-DNA position 326, T replaced by C.
Molecular consequence: intron variant.
Genome position (GRCh38, 1-based): chrX:18,646,109, A>G on the plus strand (T>C on the coding strand, the complement: RS1 is on the minus strand). VCF-style: chrX-18646109-A-G. GRCh37 (hg19) VCF-style: chrX-18664229-A-G.
Other names: c.2797+19A>G (NM_003159.3, NM_001037343.2).
Identifiers: ClinVar variation 136715 (VCV000136715.14), dbSNP rs375809338, ClinGen allele CA290028.
Genomic context (GRCh38, chrX:18,646,109, plus strand): 5'-CCCAAGATAGACGCTTCATGTTAAGGACGACAGAACAACAAGGTAGAGTCTGGGCCCCGC[A>G]TGCCATCAAGCTGCCATAACGACCCTAGACTACTGAATGAAACTTTTTTTTTTCCTTTCT-3'